The following is an entry in ClinVar:

NM_020975.6(RET):c.2940-8C>T

Gene: RET (ret proto-oncogene; plus strand). Cytogenetic location: 10q11.21.
Variant type: single nucleotide variant.
Coding change: c.2940-8C>T on transcript NM_020975.6 (MANE Select); 8 bases into the intron before coding-DNA position 2940, C replaced by T.
Molecular consequence: intron variant.
Genome position (GRCh38, 1-based): chr10:43,124,875, C>T. VCF-style: chr10-43124875-C-T. GRCh37 (hg19) VCF-style: chr10-43620323-C-T.
Other names: c.2940-8C>T (NM_020630.7, NM_001406743.1, NM_001406744.1 and 2 more transcripts); c.2805-8C>T (NM_001406765.1, NM_001406763.1); c.2544-8C>T (NM_001406772.1, NM_001406769.1); c.2502-8C>T (NM_001406773.1, NM_001406771.1); c.2043-8C>T (NM_001406782.1, NM_001406780.1, NM_001406779.1 and 1 more transcripts); c.1908-8C>T (NM_001406787.1); c.1923-8C>T (NM_001406785.1); c.2811-8C>T (NM_001406764.1, NM_001406762.1, NM_001406761.1); and 10 more.
Identifiers: ClinVar variation 1134060 (VCV001134060.11), dbSNP rs753438225, ClinGen allele CA041755.

ClinVar aggregate classification (germline): Likely benign. Review status: criteria provided, multiple submitters, no conflicts (2 of 4 stars). 2 submissions from 2 submitters: Likely benign (2). Last evaluated 2025-07-27.

Conditions:
Multiple endocrine neoplasia, type 2 (MEN2). Identifiers: Orphanet 653, MedGen C4048306, MONDO:0019003. Disease mechanism: gain of function.

Allele frequency attached by ClinVar (database versions not stated): gnomAD exomes below 0.00001; TOPMed below 0.00001; ExAC 0.00001; gnomAD 0.00001.

Submissions (2):

Labcorp Genetics (formerly Invitae), Labcorp
Classification: Likely benign for Multiple endocrine neoplasia, type 2. Last evaluated: 2025-07-27. Review status: criteria provided, single submitter. Criteria: Invitae Variant Classification Sherloc (09022015). Collection method: clinical testing. Allele origin: germline.

All of Us Research Program, National Institutes of Health
Classification: Likely benign for Multiple endocrine neoplasia, type 2. Last evaluated: 2023-12-13. Review status: criteria provided, single submitter. Criteria: ACMG Guidelines, 2015. Collection method: clinical testing. Allele origin: germline. Inheritance: Autosomal dominant inheritance. Observed: 1 variant allele, 1 heterozygote.
Comment: This study involves interpretation of variants in research participants for the purpose of population health screening. Participant phenotype was not available at the time of variant classification. Additional details can be found in publication PMID: 35346344, PMCID: PMC8962531